The following is an entry in ClinVar:

NM_020778.5(ALPK3):c.256del (p.Arg86fs)

Gene: ALPK3 (alpha kinase 3; plus strand). Cytogenetic location: 15q25.3.
Variant type: Deletion.
Coding change: c.256del on transcript NM_020778.5 (MANE Select); coding-DNA position 256, one base deleted (C; older notation c.256delC).
Protein change: p.Arg86fs; shifts the reading frame from arginine 86.
Molecular consequence: frameshift variant.
Genome position (GRCh38, 1-based): chr15:84,827,557, C deleted; the last of 3 consecutive C bases (chr15:84,827,555-84,827,557); deleting any one gives the same sequence. VCF-style (leftmost placement, unchanged base first): chr15-84827554-TC-T. GRCh37 (hg19) VCF-style: chr15-85370785-TC-T.
Other names: short protein forms R86fs.
Identifiers: ClinVar variation 2838667 (VCV002838667.3), dbSNP rs2505697249, ClinGen allele CA2630108590.

ClinVar aggregate classification (germline): Pathogenic (1 of 4 stars; one submission).

Submission:

Labcorp Genetics (formerly Invitae), Labcorp
Classification: Pathogenic. Last evaluated: 2023-02-18. Review status: criteria provided, single submitter. Criteria: Invitae Variant Classification Sherloc (09022015). Collection method: clinical testing. Allele origin: germline.
Comment: For these reasons, this variant has been classified as Pathogenic. This variant has not been reported in the literature in individuals affected with ALPK3-related conditions. This variant is not present in population databases (gnomAD no frequency). This sequence change creates a premature translational stop signal (p.Arg288Glyfs*23) in the ALPK3 gene. It is expected to result in an absent or disrupted protein product. Loss-of-function variants in ALPK3 are known to be pathogenic (PMID: 21441111, 26846950, 27106955, 34263907).

Literature cited by the submitters: PubMed 21441111; PubMed 26846950; PubMed 27106955; PubMed 34263907.